The following is an entry in ClinVar:

ClinVar aggregate classification (germline): Pathogenic (1 of 4 stars; one submission).

Conditions:
Hereditary breast ovarian cancer syndrome. Also called: Hereditary breast and ovarian cancer syndrome (HBOC); Hereditary breast and/or ovarian cancer syndrome; Hereditary breast and ovarian cancer; BRCA1- and BRCA2-Associated Hereditary Breast and Ovarian Cancer; Hereditary breast and ovarian cancer syndrome; Breast and ovarian cancer. Identifiers: Orphanet 145, MedGen C0677776, MeSH D061325, MONDO:0003582. Disease mechanism: loss of function.

Submission:

Labcorp Genetics (formerly Invitae), Labcorp
Classification: Pathogenic for Hereditary breast ovarian cancer syndrome. Last evaluated: 2018-03-12. Review status: criteria provided, single submitter. Criteria: Invitae Variant Classification Sherloc (09022015). Collection method: clinical testing. Allele origin: germline.
Comment: This sequence change inserts an Alu retrotransposon in 22 of the BRCA2 mRNA (c.8814_8815insAlu), causing a frameshift at codon 2938 (p.Asp2938fs). The exact size and sequence of the insertion cannot be determined by the current assay. However, the insertion is expected to result in an absent or disrupted protein product. For these reasons, this variant has been classified as Pathogenic. Retrotransposon insertions including LINE1 (L1), Alu, and SVA (SINE-VNTR-Alu) have been reported to be disease-causing through disruption of either a coding region or splice site (PMID: 19763152, 20307669, 22406018). Although this variant has not been reported in the literature, loss-of-function variants in BRCA2 are known to be pathogenic (PMID: 20104584) and other Alu-mediated insertions in BRCA2 have been reported in the literature (PMID: 20232141).

Literature cited by the submitters: PubMed 19763152; PubMed 20307669; PubMed 22406018; PubMed 20104584; PubMed 20232141.

NM_000059.4(BRCA2):c.8829_8830insGATCCAGTTGGAAATTAGGAAGGCCATGGAATCTGCTGAACAAAAGGAACAAGGTTTATCAAGGGATGTAAGAAACAAGCTCAGNNNNNNNNNNNNNNAAAAAAAAAAAAA (p.Ile2944delinsAspProValGlyAsnTer)

Gene: BRCA2 (BRCA2 DNA repair associated; plus strand). Cytogenetic location: 13q13.1.
Variant type: Insertion.
Coding change: c.8829_8830insGATCCAGTTGGAAATTAGGAAGGCCATGGAATCTGCTGAACAAAAGGAACAAGGTTTATCAAGGGATGTAAGAAACAAGCTCAGNNNNNNNNNNNNNNAAAAAAAAAAAAA on transcript NM_000059.4 (MANE Select); coding-DNA positions 8829 to 8830, GATCCAGTTGGAAATTAGGAAGGCCATGGAATCTGCTGAACAAAAGGAACAAGGTTTATCAAGGGATGTAAGAAACAAGCTCAGNNNNNNNNNNNNNNAAAAAAAAAAAAA inserted.
Protein change: p.Ile2944delinsAspProValGlyAsnTer.
Molecular consequence: nonsense.
Genome position: GRCh38: chr13:32,379,391-32,379,392. GRCh37 (hg19): chr13:32,953,528-32,953,529.
Identifiers: ClinVar variation 1071296 (VCV001071296.9), dbSNP rs2137619621.